The following is an entry in ClinVar:

ClinVar aggregate classification (germline): Uncertain significance (1 of 4 stars; one submission).

Conditions:
Neuronal ceroid lipofuscinosis. Also called: Neuronal Ceroid Lipofuscinoses. Identifiers: Orphanet 216, Orphanet 79263, MedGen C0027877, MONDO:0016295. Disease mechanism: loss of function.

Submission:

Labcorp Genetics (formerly Invitae), Labcorp
Classification: Uncertain significance for Neuronal ceroid lipofuscinosis. Last evaluated: 2022-07-05. Review status: criteria provided, single submitter. Criteria: Invitae Variant Classification Sherloc (09022015). Collection method: clinical testing. Allele origin: germline.
Comment: This variant is not present in population databases (gnomAD no frequency). This sequence change replaces lysine, which is basic and polar, with glutamine, which is neutral and polar, at codon 66 of the CLN3 protein (p.Lys66Gln). This variant has not been reported in the literature in individuals affected with CLN3-related conditions. In summary, the available evidence is currently insufficient to determine the role of this variant in disease. Therefore, it has been classified as a Variant of Uncertain Significance. Algorithms developed to predict the effect of missense changes on protein structure and function output the following: SIFT: "Tolerated"; PolyPhen-2: "Benign"; Align-GVGD: "Class C0". The glutamine amino acid residue is found in multiple mammalian species, which suggests that this missense change does not adversely affect protein function.

NM_001042432.2(CLN3):c.196A>C (p.Lys66Gln)

Gene: CLN3 (CLN3 lysosomal/endosomal transmembrane protein, battenin; minus strand). Cytogenetic location: 16p12.1.
Variant type: single nucleotide variant.
Coding change: c.196A>C on transcript NM_001042432.2 (MANE Select); coding-DNA position 196, A replaced by C.
Protein change: p.Lys66Gln; replaces lysine 66 with glutamine.
Molecular consequence: missense variant. On other transcripts: 5 prime UTR variant (1).
Genome position (GRCh38, 1-based): chr16:28,489,316, T>G on the plus strand (A>C on the coding strand, the complement: CLN3 is on the minus strand). VCF-style: chr16-28489316-T-G. GRCh37 (hg19) VCF-style: chr16-28500637-T-G.
Other names: c.196A>C, p.Lys66Gln (NM_000086.2, NM_001286104.2); c.-25A>C (NM_001286105.2); c.34A>C, p.Lys12Gln (NM_001286109.2, NM_001286110.2); short protein forms K12Q, K66Q.
Identifiers: ClinVar variation 2014165 (VCV002014165.4), dbSNP rs963189449, ClinGen allele CA395346434.